The following is an entry in ClinVar:

NM_001374736.1(DST):c.21824A>C (p.Gln7275Pro)

Gene: DST (dystonin; minus strand). Cytogenetic location: 6p12.1.
Variant type: single nucleotide variant.
Coding change: c.21824A>C on transcript NM_001374736.1 (MANE Select); coding-DNA position 21824, A replaced by C.
Protein change: p.Gln7275Pro; replaces glutamine 7275 with proline.
Molecular consequence: missense variant.
Genome position (GRCh38, 1-based): chr6:56,476,189, T>G on the plus strand (A>C on the coding strand, the complement: DST is on the minus strand). VCF-style: chr6-56476189-T-G. GRCh37 (hg19) VCF-style: chr6-56340987-T-G.
Other names: c.15467A>C, p.Gln5156Pro (NM_001144769.5); c.15053A>C, p.Gln5018Pro (NM_001144770.2); c.21824A>C, p.Gln7275Pro (NM_001374722.1); c.20864A>C, p.Gln6955Pro (NM_001374729.1); c.14606A>C, p.Gln4869Pro (NM_001374730.1); c.21851A>C, p.Gln7284Pro (NM_001374734.1); c.14933A>C, p.Gln4978Pro (NM_001386100.1, NM_183380.4); c.13955A>C, p.Gln4652Pro (NM_015548.5); short protein forms Q4652P, Q4869P, Q4978P, Q5018P, Q5156P, Q6955P, Q7275P, Q7284P.
Identifiers: ClinVar variation 1018512 (VCV001018512.9), dbSNP rs2095181390, ClinGen allele CA364510154.
Genomic context (GRCh38, chr6:56,476,189, plus strand): 5'-TAGGATTATATTTATTTTACCTGGTGTTCTGCAATGAGTGCTTTCACCTCTTCGATCTCC[T>G]GGGGGATGACTTCTTTATCCTTATCAGTAAGTGTAGTTTCAGCCCATTGCAACCAAGCCA-3'
Protein context (NP_001361665.1, residues 7265-7285): LTDKDKEVIP[Gln7275Pro]EIEEVKALIA

ClinVar aggregate classification (germline): Uncertain significance (1 of 4 stars; one submission).

Conditions:
Hereditary sensory and autonomic neuropathy type 6. Also called: HSAN VI; Neuropathy, hereditary sensory and autonomic, type VI. Identifiers: Orphanet 314381, MedGen C3539003, MONDO:0013839, OMIM 614653.
Epidermolysis bullosa simplex 3, localized or generalized intermediate, with BP230 deficiency (EBS3). Also called: Epidermolysis bullosa simplex due to BP230 deficiency; Epidermolysis bullosa simplex, autosomal recessive 2. Identifiers: Orphanet 412181, MedGen C3809470, MONDO:0014180, OMIM 615425.

Allele frequency attached by ClinVar (database versions not stated): gnomAD exomes below 0.00001; TOPMed below 0.00001.
gnomAD v4.1: 2 of 1,613,206 alleles (0.00012%); highest among the groups gnomAD compares: Non-Finnish European, 0.00017%; no homozygotes.

Submission:

Labcorp Genetics (formerly Invitae), Labcorp
Classification: Uncertain significance for Epidermolysis bullosa simplex 3, localized or generalized intermediate, with BP230 deficiency; Hereditary sensory and autonomic neuropathy type 6. Last evaluated: 2022-05-30. Review status: criteria provided, single submitter. Criteria: Invitae Variant Classification Sherloc (09022015). Collection method: clinical testing. Allele origin: germline.
Comment: Experimental studies and prediction algorithms are not available or were not evaluated, and the functional significance of this variant is currently unknown. In summary, the available evidence is currently insufficient to determine the role of this variant in disease. Therefore, it has been classified as a Variant of Uncertain Significance. This variant has not been reported in the literature in individuals affected with DST-related conditions. This variant is not present in population databases (gnomAD no frequency). This sequence change replaces glutamine, which is neutral and polar, with proline, which is neutral and non-polar, at codon 4652 of the DST protein (p.Gln4652Pro). The DST gene has multiple clinically relevant transcripts. This variant occurs in alternate transcript NM_015548.4, and corresponds to NM_001723.5:c.*139328A>C in the primary transcript.